The following is an entry in ClinVar:

NM_004991.4(MECOM):c.2972C>T (p.Thr991Ile)

Gene: MECOM (MDS1 and EVI1 complex locus; minus strand). Cytogenetic location: 3q26.2.
Variant type: single nucleotide variant.
Coding change: c.2972C>T on transcript NM_004991.4 (MANE Select); coding-DNA position 2972, C replaced by T.
Protein change: p.Thr991Ile; replaces threonine 991 with isoleucine.
Molecular consequence: missense variant.
Genome position (GRCh38, 1-based): chr3:169,095,123, G>A on the plus strand (C>T on the coding strand, the complement: MECOM is on the minus strand). VCF-style: chr3-169095123-G-A. GRCh37 (hg19) VCF-style: chr3-168812911-G-A.
Other names: c.2603C>T, p.Thr868Ile (NM_001105077.4); c.2408C>T, p.Thr803Ile (NM_001105078.4, NM_001205194.2, NM_001366469.2 and 1 more transcripts); c.2384C>T, p.Thr795Ile (NM_001163999.2, NM_001366470.2); c.2381C>T, p.Thr794Ile (NM_001164000.2, NM_001366471.2, NM_001366472.2); c.2945C>T, p.Thr982Ile (NM_001366466.2); c.2411C>T, p.Thr804Ile (NM_001366467.2, NM_001366468.2); c.1973C>T, p.Thr658Ile (NM_001366473.2); c.1409C>T, p.Thr470Ile (NM_001366474.2); short protein forms T470I, T658I, T868I, T982I, T804I, T794I, T795I, T803I.
Identifiers: ClinVar variation 5024210 (VCV005024210.1).

ClinVar aggregate classification (germline): Uncertain significance (1 of 4 stars; one submission).

Conditions:
Inborn genetic diseases. Identifiers: MedGen C0950123, MeSH D030342.

Submission:

Ambry Genetics
Classification: Uncertain significance for Inborn genetic diseases. Last evaluated: 2026-09-05. Review status: criteria provided, single submitter. Criteria: Ambry Variant Classification Scheme 2023. Collection method: clinical testing. Allele origin: germline.
Comment: The p.T991I variant (also known as c.2972C>T), located in coding exon 13 of the MECOM gene, results from a C to T substitution at nucleotide position 2972. The threonine at codon 991 is replaced by isoleucine, an amino acid with similar properties. This amino acid position is conserved. In addition, the in silico prediction for this alteration is inconclusive. Based on the available evidence, the clinical significance of this variant remains unclear.